The following is an entry in ClinVar:

ClinVar aggregate classification (germline): Uncertain significance (1 of 4 stars; one submission).

Submission:

Labcorp Genetics (formerly Invitae), Labcorp
Classification: Uncertain significance. Last evaluated: 2022-05-13. Review status: criteria provided, single submitter. Criteria: Invitae Variant Classification Sherloc (09022015). Collection method: clinical testing. Allele origin: germline.
Comment: In summary, the available evidence is currently insufficient to determine the role of this variant in disease. Therefore, it has been classified as a Variant of Uncertain Significance. Algorithms developed to predict the effect of missense changes on protein structure and function are either unavailable or do not agree on the potential impact of this missense change (SIFT: "Not Available"; PolyPhen-2: "Benign"; Align-GVGD: "Not Available"). This variant has not been reported in the literature in individuals affected with NFIA-related conditions. Information on the frequency of this variant in the gnomAD database is not available, as this variant may be reported differently in the database. This sequence change replaces serine, which is neutral and polar, with proline, which is neutral and non-polar, at codon 195 of the NFIA protein (p.Ser195Pro).

NM_001134673.4(NFIA):c.583_584delinsCC (p.Ser195Pro)

Gene: NFIA (nuclear factor I A; plus strand). Cytogenetic location: 1p31.3.
Variant type: Indel.
Coding change: c.583_584delinsCC on transcript NM_001134673.4 (MANE Select); coding-DNA positions 583 to 584, AG replaced by CC.
Protein change: p.Ser195Pro; replaces serine 195 with proline.
Molecular consequence: missense variant.
Genome position (GRCh38, 1-based): chr1:61,277,543-61,277,544, AG replaced by CC. VCF-style: chr1-61277543-AG-CC. GRCh37 (hg19) VCF-style: chr1-61743215-AG-CC.
Other names: c.559_560delinsCC, p.Ser187Pro (NM_001145511.2); c.718_719delinsCC, p.Ser240Pro (NM_001145512.2); c.583_584delinsCC, p.Ser195Pro (NM_005595.5); short protein forms S187P, S240P, S195P.
Identifiers: ClinVar variation 1993796 (VCV001993796.4), dbSNP rs2524825119, ClinGen allele CA2580063083.